The following is an entry in ClinVar:

ClinVar aggregate classification (germline): Uncertain significance (1 of 4 stars; one submission).

Conditions:
Inborn genetic diseases. Identifiers: MedGen C0950123, MeSH D030342.

Submission:

Ambry Genetics
Classification: Uncertain significance for Inborn genetic diseases. Last evaluated: 2026-01-22. Review status: criteria provided, single submitter. Criteria: Ambry Variant Classification Scheme 2023. Collection method: clinical testing. Allele origin: germline.
Comment: The p.D65N variant (also known as c.193G>A), located in coding exon 3 of the DDX41 gene, results from a G to A substitution at nucleotide position 193. The aspartic acid at codon 65 is replaced by asparagine, an amino acid with highly similar properties. This amino acid position is conserved. In addition, this alteration is predicted to be tolerated by in silico analysis. Based on the available evidence, the clinical significance of this variant remains unclear.

NM_016222.4(DDX41):c.193G>A (p.Asp65Asn)

Gene: DDX41 (DEAD-box helicase 41; minus strand). Cytogenetic location: 5q35.3.
Variant type: single nucleotide variant.
Coding change: c.193G>A on transcript NM_016222.4 (MANE Select); coding-DNA position 193, G replaced by A.
Protein change: p.Asp65Asn; replaces aspartic acid 65 with asparagine.
Molecular consequence: missense variant. On other transcripts: 5 prime UTR variant (2).
Genome position (GRCh38, 1-based): chr5:177,516,393, C>T on the plus strand (G>A on the coding strand, the complement: DDX41 is on the minus strand). VCF-style: chr5-177516393-C-T. GRCh37 (hg19) VCF-style: chr5-176943394-C-T.
Other names: c.-186G>A (NM_001321732.2, NM_001321830.2); short protein forms D65N.
Identifiers: ClinVar variation 4844591 (VCV004844591.1).